The following is an entry in ClinVar:

NM_004958.4(MTOR):c.1886T>G (p.Leu629Arg)

Gene: MTOR (mechanistic target of rapamycin kinase; minus strand). Cytogenetic location: 1p36.22.
Variant type: single nucleotide variant.
Coding change: c.1886T>G on transcript NM_004958.4 (MANE Select); coding-DNA position 1886, T replaced by G.
Protein change: p.Leu629Arg; replaces leucine 629 with arginine.
Molecular consequence: missense variant.
Genome position (GRCh38, 1-based): chr1:11,238,518, A>C on the plus strand (T>G on the coding strand, the complement: MTOR is on the minus strand). VCF-style: chr1-11238518-A-C. GRCh37 (hg19) VCF-style: chr1-11298575-A-C.
Other names: c.1886T>G, p.Leu629Arg (NM_001386500.1); c.638T>G, p.Leu213Arg (NM_001386501.1); short protein forms L213R, L629R.
Identifiers: ClinVar variation 4799847 (VCV004799847.1).

ClinVar aggregate classification (germline): Uncertain significance (1 of 4 stars; one submission).

gnomAD v4.1: 1 of 1,614,118 alleles (0.000062%); highest among the groups gnomAD compares: African/African-American, 0.0013%; no homozygotes.

Submission:

Labcorp Genetics (formerly Invitae), Labcorp
Classification: Uncertain significance. Last evaluated: 2025-06-01. Review status: criteria provided, single submitter. Criteria: Invitae Variant Classification Sherloc (09022015). Collection method: clinical testing. Allele origin: germline.
Comment: This sequence change replaces leucine, which is neutral and non-polar, with arginine, which is basic and polar, at codon 629 of the MTOR protein (p.Leu629Arg). This variant is not present in population databases (gnomAD no frequency). This variant has not been reported in the literature in individuals affected with MTOR-related conditions. Invitae Evidence Modeling of protein sequence and biophysical properties (such as structural, functional, and spatial information, amino acid conservation, physicochemical variation, residue mobility, and thermodynamic stability) indicates that this missense variant is not expected to disrupt MTOR protein function with a negative predictive value of 95%. In summary, the available evidence is currently insufficient to determine the role of this variant in disease. Therefore, it has been classified as a Variant of Uncertain Significance.